The following is an entry in ClinVar:

NM_017433.5(MYO3A):c.2718C>A (p.Gly906=)

Gene: MYO3A (myosin IIIA; plus strand). Cytogenetic location: 10p12.1.
Variant type: single nucleotide variant.
Coding change: c.2718C>A on transcript NM_017433.5 (MANE Select); coding-DNA position 2718, C replaced by A.
Protein change: p.Gly906=; no amino-acid change (glycine 906 retained).
Molecular consequence: synonymous variant.
Genome position (GRCh38, 1-based): chr10:26,154,748, C>A. VCF-style: chr10-26154748-C-A. GRCh37 (hg19) VCF-style: chr10-26443677-C-A.
Identifiers: ClinVar variation 2697359 (VCV002697359.3), dbSNP rs1239496761, ClinGen allele CA468479734.

ClinVar aggregate classification (germline): Uncertain significance (1 of 4 stars; one submission).

gnomAD v4.1: 7 of 1,613,312 alleles (0.00043%); highest among the groups gnomAD compares: Non-Finnish European, 0.00051%; no homozygotes.

Submission:

Labcorp Genetics (formerly Invitae), Labcorp
Classification: Uncertain significance. Last evaluated: 2023-11-19. Review status: criteria provided, single submitter. Criteria: Invitae Variant Classification Sherloc (09022015). Collection method: clinical testing. Allele origin: germline.
Comment: This sequence change affects codon 906 of the MYO3A mRNA. It is a 'silent' change, meaning that it does not change the encoded amino acid sequence of the MYO3A protein. This variant is not present in population databases (gnomAD no frequency). This variant has not been reported in the literature in individuals affected with MYO3A-related conditions. Algorithms developed to predict the effect of sequence changes on RNA splicing suggest that this variant may disrupt the consensus splice site. In summary, the available evidence is currently insufficient to determine the role of this variant in disease. Therefore, it has been classified as a Variant of Uncertain Significance.